The following is an entry in ClinVar:

NM_004482.4(GALNT3):c.132A>G (p.Gln44=)

Gene: GALNT3 (polypeptide N-acetylgalactosaminyltransferase 3; minus strand). Cytogenetic location: 2q24.3.
Variant type: single nucleotide variant.
Coding change: c.132A>G on transcript NM_004482.4 (MANE Select); coding-DNA position 132, A replaced by G.
Protein change: p.Gln44=; no amino-acid change (glutamine 44 retained).
Molecular consequence: synonymous variant.
Genome position (GRCh38, 1-based): chr2:165,770,569, T>C on the plus strand (A>G on the coding strand, the complement: GALNT3 is on the minus strand). VCF-style: chr2-165770569-T-C. GRCh37 (hg19) VCF-style: chr2-166627079-T-C.
Identifiers: ClinVar variation 195225 (VCV000195225.20), dbSNP rs149809222, ClinGen allele CA201629.

ClinVar aggregate classification (germline): Benign/Likely benign. Review status: criteria provided, multiple submitters, no conflicts (2 of 4 stars). 5 submissions from 5 submitters: Benign (3); Likely benign (2). Last evaluated 2026-02-04.

Conditions:
Tumoral calcinosis, hyperphosphatemic, familial, 1. Also called: HYPEROSTOSIS WITH HYPERPHOSPHATEMIA; HYPEROSTOSIS-HYPERPHOSPHATEMIA SYNDROME; LIPOCALCINOGRANULOMATOSIS; MORBUS TEUTSCHLAENDER; TEUTSCHLAENDER DISEASE, FAMILIAL; TUMORAL CALCINOSIS, PRIMARY HYPERPHOSPHATEMIC. Identifiers: Orphanet 53715, MedGen C4692564, MONDO:0100252, OMIM 211900.

Allele frequency attached by ClinVar (database versions not stated): 1000 Genomes Project 0.00220; 1000 Genomes Project 30x 0.00250; ESP Exome Variant Server 0.00292; gnomAD 0.00293 and 0.00323; TOPMed 0.00316; ExAC 0.00499.
gnomAD v4.1: 6,331 of 1,613,376 alleles (0.39%); highest among the groups gnomAD compares: Middle Eastern, 1.9%; 41 homozygotes.

Submissions (5):

Labcorp Genetics (formerly Invitae), Labcorp
Classification: Benign. Last evaluated: 2026-02-04. Review status: criteria provided, single submitter. Criteria: Invitae Variant Classification Sherloc (09022015). Collection method: clinical testing. Allele origin: germline.

GeneDx
Classification: Likely benign. Last evaluated: 2021-05-06. Review status: criteria provided, single submitter. Criteria: GeneDx Variant Classification Process June 2021. Collection method: clinical testing. Allele origin: germline. Affected: yes.

Illumina Laboratory Services, Illumina
Classification: Benign for Tumoral calcinosis, hyperphosphatemic, familial, 1. Last evaluated: 2018-01-12. Review status: criteria provided, single submitter. Criteria: ICSL Variant Classification Criteria 13 December 2019. Collection method: clinical testing. Allele origin: germline.
Comment: This variant was observed in the ICSL laboratory as part of a predisposition screen in an ostensibly healthy population. It had not been previously curated by ICSL or reported in the Human Gene Mutation Database (HGMD: prior to June 1st, 2018), and was therefore a candidate for classification through an automated scoring system. Utilizing variant allele frequency, disease prevalence and penetrance estimates, and inheritance mode, an automated score was calculated to assess if this variant is too frequent to cause the disease. Based on the score and internal cut-off values, a variant classified as benign is not then subjected to further curation. The score for this variant resulted in a classification of benign for this disease.

Eurofins Ntd Llc (ga)
Classification: Benign. Last evaluated: 2015-06-08. Review status: criteria provided, single submitter. Criteria: EGL Classification Definitions 2015. Collection method: clinical testing. Allele origin: germline. Observed: 2 variant alleles, 1 heterozygote, 1 homozygote.

Breakthrough Genomics
Classification: Likely benign. Review status: criteria provided, single submitter. Criteria: ACMG Guidelines, 2015. Collection method: not provided. Allele origin: germline. Inheritance: Autosomal recessive inheritance. Affected: yes.